The following is an entry in ClinVar:

NM_000138.5(FBN1):c.7871A>G (p.Asn2624Ser)

Gene: FBN1 (fibrillin 1; minus strand). Cytogenetic location: 15q21.1.
Variant type: single nucleotide variant.
Coding change: c.7871A>G on transcript NM_000138.5 (MANE Select); coding-DNA position 7871, A replaced by G.
Protein change: p.Asn2624Ser; replaces asparagine 2624 with serine.
Molecular consequence: missense variant.
Genome position (GRCh38, 1-based): chr15:48,415,716, T>C on the plus strand (A>G on the coding strand, the complement: FBN1 is on the minus strand). VCF-style: chr15-48415716-T-C. GRCh37 (hg19) VCF-style: chr15-48707913-T-C.
Other names: short protein forms N2624S.
Identifiers: ClinVar variation 549437 (VCV000549437.12), dbSNP rs113935744, ClinGen allele CA392323357.

ClinVar aggregate classification (germline): Pathogenic/Likely pathogenic. Review status: criteria provided, multiple submitters, no conflicts (2 of 4 stars). 4 submissions from 4 submitters: Pathogenic (2); Likely pathogenic (1). 1 of the submissions does not count toward it. Last evaluated 2024-05-02.

Conditions:
Familial thoracic aortic aneurysm and aortic dissection (TAAD). Also called: Thoracic aortic aneurysms and dissections. Identifiers: Orphanet 91387, MedGen C4707243, MONDO:0019625.
Marfan syndrome (MFS). Also called: Marfan syndrome type 1; Marfan syndrome, classic; Marfan's syndrome; FBN1-Related Marfan Syndrome; MARFAN SYNDROME, TYPE I. Identifiers: Orphanet 284963, Orphanet 558, MedGen C0024796, MONDO:0007947, OMIM 154700.

Submissions (4):

Labcorp Genetics (formerly Invitae), Labcorp
Classification: Pathogenic for Marfan syndrome; Familial thoracic aortic aneurysm and aortic dissection. Last evaluated: 2024-05-02. Review status: criteria provided, single submitter. Criteria: Invitae Variant Classification Sherloc (09022015). Collection method: clinical testing. Allele origin: germline.
Comment: This sequence change replaces asparagine, which is neutral and polar, with serine, which is neutral and polar, at codon 2624 of the FBN1 protein (p.Asn2624Ser). This variant is not present in population databases (gnomAD no frequency). This missense change has been observed in individuals with clinical features of Marfan syndrome (PMID: 10756346, 19293843, 31211624; Invitae). ClinVar contains an entry for this variant (Variation ID: 549437). Advanced modeling of protein sequence and biophysical properties (such as structural, functional, and spatial information, amino acid conservation, physicochemical variation, residue mobility, and thermodynamic stability) performed at Invitae indicates that this missense variant is expected to disrupt FBN1 protein function with a positive predictive value of 95%. This variant disrupts the p.Asn2624 amino acid residue in FBN1. Other variant(s) that disrupt this residue have been observed in individuals with FBN1-related conditions (PMID: 11700157, 19293843), which suggests that this may be a clinically significant amino acid residue. For these reasons, this variant has been classified as Pathogenic.

Institute of Medical Genetics and Applied Genomics, University Hospital Tübingen
Classification: Pathogenic for Marfan syndrome. Last evaluated: 2024-01-18. Review status: criteria provided, single submitter. Criteria: ACMG Guidelines, 2015. Collection method: clinical testing. Allele origin: germline. Inheritance: Autosomal dominant inheritance. Affected: yes.

Laboratory for Molecular Medicine, Mass General Brigham Personalized Medicine
Classification: Likely pathogenic for Marfan syndrome. Last evaluated: 2019-03-07. Review status: criteria provided, single submitter. Criteria: ACMG Guidelines, 2015. Collection method: clinical testing. Allele origin: germline. Inheritance: Autosomal dominant inheritance.
Comment: The p.Asn2624Ser variant in FBN1 has been reported as a de novo variant in one individual with Marfan syndrome (Stheneur 2009) and was also identified in one individual with TAAD (Wolford 2018 preprint). In addition, this variant is located in the calcium-binding consensus sequence and two other amino acid substitions (p.Asn2624Thr and p.Asn2624Lys) have been identified in individuals with clinical features of Marfan syndrome. This variant was absent from large population studies and is reported in ClinVar (Variation ID: 539510). Computational prediction tools and conservation analysis do not provide strong support for or against an impact to the protein. In summary, although additional studies are required to fully establish its clinical significance, this variant meets criteria to be classified as likely pathogenic for autosomal dominant Marfan syndrome. ACMG/AMP Criteria applied: PM1; PM2; PM6; PS4_Supporting.

Center for Medical Genetics Ghent, University of Ghent
Classification: Uncertain significance for Marfan syndrome. Last evaluated: 2017-11-07. Review status: no assertion criteria provided. Collection method: clinical testing. Allele origin: germline. Affected: yes. Not counted in ClinVar's aggregate classification.

Literature cited by the submitters: PubMed 10756346 (cited by Labcorp Genetics (formerly Invitae), Labcorp and Laboratory for Molecular Medicine, Mass General Brigham Personalized Medicine); PubMed 19293843 (cited by Labcorp Genetics (formerly Invitae), Labcorp); PubMed 31211624 (cited by Labcorp Genetics (formerly Invitae), Labcorp); PubMed 11700157 (cited by Labcorp Genetics (formerly Invitae), Labcorp).